The following is an entry in ClinVar:

NM_004706.4(ARHGEF1):c.1064T>C (p.Met355Thr)

Gene: ARHGEF1 (Rho guanine nucleotide exchange factor 1; plus strand). Cytogenetic location: 19q13.2.
Variant type: single nucleotide variant.
Coding change: c.1064T>C on transcript NM_004706.4 (MANE Select); coding-DNA position 1064, T replaced by C.
Protein change: p.Met355Thr; replaces methionine 355 with threonine.
Molecular consequence: missense variant. On other transcripts: non-coding transcript variant (2).
Genome position (GRCh38, 1-based): chr19:41,896,425, T>C. VCF-style: chr19-41896425-T-C. GRCh37 (hg19) VCF-style: chr19-42400498-T-C.
Other names: c.1064T>C, p.Met355Thr (NM_001396000.1, NM_001396003.1, NM_001396006.1); c.965T>C, p.Met322Thr (NM_001396002.1, NM_001396004.1, NM_198977.2); c.1109T>C, p.Met370Thr (NM_199002.2); short protein forms M370T, M355T, M322T.
Identifiers: ClinVar variation 2101764 (VCV002101764.4), dbSNP rs2513827234, ClinGen allele CA406055945.

ClinVar aggregate classification (germline): Uncertain significance (1 of 4 stars; one submission).

Submission:

Labcorp Genetics (formerly Invitae), Labcorp
Classification: Uncertain significance. Last evaluated: 2022-03-15. Review status: criteria provided, single submitter. Criteria: Invitae Variant Classification Sherloc (09022015). Collection method: clinical testing. Allele origin: germline.
Comment: In summary, the available evidence is currently insufficient to determine the role of this variant in disease. Therefore, it has been classified as a Variant of Uncertain Significance. Algorithms developed to predict the effect of missense changes on protein structure and function output the following: SIFT: "Tolerated"; PolyPhen-2: "Benign"; Align-GVGD: "Class C0". The threonine amino acid residue is found in multiple mammalian species, which suggests that this missense change does not adversely affect protein function. This variant has not been reported in the literature in individuals affected with ARHGEF1-related conditions. This variant is not present in population databases (gnomAD no frequency). This sequence change replaces methionine, which is neutral and non-polar, with threonine, which is neutral and polar, at codon 370 of the ARHGEF1 protein (p.Met370Thr).